The following is an entry in ClinVar:

NM_000433.4(NCF2):c.609+1G>A

Gene: NCF2 (neutrophil cytosolic factor 2; minus strand). Cytogenetic location: 1q25.3.
Variant type: single nucleotide variant.
Coding change: c.609+1G>A on transcript NM_000433.4 (MANE Select); the canonical splice donor site of the intron after coding-DNA position 609, G replaced by A.
Molecular consequence: splice donor variant. On other transcripts: intron variant (2).
Genome position (GRCh38, 1-based): chr1:183,573,184, C>T on the plus strand (G>A on the coding strand, the complement: NCF2 is on the minus strand). VCF-style: chr1-183573184-C-T. GRCh37 (hg19) VCF-style: chr1-183542319-C-T.
Other names: c.501+1303G>A (NM_001410895.1); c.609+1G>A (NM_001127651.3); c.367-2345G>A (NM_001190789.2); c.474+1G>A (NM_001190794.2).
Identifiers: ClinVar variation 1510296 (VCV001510296.8), dbSNP rs2102903043, ClinGen allele CA343675669.

ClinVar aggregate classification (germline): Likely pathogenic (1 of 4 stars; one submission).

Conditions:
Granulomatous disease, chronic, autosomal recessive, cytochrome b-positive, type 2. Also called: Chronic granulomatous disease due to deficiency of NCF-2; Chronic Granulomatous Disease, Autosomal Recessive, Cytochrome b-Positive, Type II; GRANULOMATOUS DISEASE, CHRONIC, AUTOSOMAL RECESSIVE, 2; CGD, AUTOSOMAL RECESSIVE CYTOCHROME b-POSITIVE, TYPE II; GRANULOMATOUS DISEASE, CHRONIC, DUE TO NCF2 DEFICIENCY. Identifiers: Orphanet 379, MedGen C1856245, MONDO:0009310, OMIM 233710.

Submission:

Labcorp Genetics (formerly Invitae), Labcorp
Classification: Likely pathogenic for Granulomatous disease, chronic, autosomal recessive, cytochrome b-positive, type 2. Last evaluated: 2022-11-08. Review status: criteria provided, single submitter. Criteria: Invitae Variant Classification Sherloc (09022015). Collection method: clinical testing. Allele origin: germline.
Comment: This sequence change affects a donor splice site in intron 5 of the NCF2 gene. It is expected to disrupt RNA splicing. Variants that disrupt the donor or acceptor splice site typically lead to a loss of protein function (PMID: 16199547), and loss-of-function variants in NCF2 are known to be pathogenic (PMID: 10498624, 20167518). This variant is not present in population databases (gnomAD no frequency). This variant has not been reported in the literature in individuals affected with NCF2-related conditions. ClinVar contains an entry for this variant (Variation ID: 1510296). Algorithms developed to predict the effect of sequence changes on RNA splicing suggest that this variant may disrupt the consensus splice site. In summary, the currently available evidence indicates that the variant is pathogenic, but additional data are needed to prove that conclusively. Therefore, this variant has been classified as Likely Pathogenic.

Literature cited by the submitters: PubMed 16199547; PubMed 10498624; PubMed 20167518.